The following is an entry in ClinVar:

ClinVar aggregate classification (germline): Likely benign (1 of 4 stars; one submission).

Allele frequency attached by ClinVar (database versions not stated): gnomAD exomes 0.00001.

Submission:

CeGaT Center for Human Genetics Tuebingen
Classification: Likely benign. Last evaluated: 2025-08-01. Review status: criteria provided, single submitter. Criteria: CeGaT Center For Human Genetics Tuebingen Variant Classification Criteria Version 2. Collection method: clinical testing. Allele origin: germline. Affected: yes. Observed: 3 variant alleles.
Comment: IRF2BPL: BP4, BP7

NM_024496.4(IRF2BPL):c.375A>G (p.Gln125=)

Gene: IRF2BPL (interferon regulatory factor 2 binding protein like; minus strand). Cytogenetic location: 14q24.3.
Variant type: single nucleotide variant.
Coding change: c.375A>G on transcript NM_024496.4 (MANE Select); coding-DNA position 375, A replaced by G.
Protein change: p.Gln125=; no amino-acid change (glutamine 125 retained).
Molecular consequence: synonymous variant.
Genome position (GRCh38, 1-based): chr14:77,027,418, T>C on the plus strand (A>G on the coding strand, the complement: IRF2BPL is on the minus strand). VCF-style: chr14-77027418-T-C. GRCh37 (hg19) VCF-style: chr14-77493761-T-C.
Identifiers: ClinVar variation 2644408 (VCV002644408.24), dbSNP rs1465515608, ClinGen allele CA487508361.